The following is an entry in ClinVar:

ClinVar aggregate classification (germline): Uncertain significance (1 of 4 stars; one submission).

Allele frequency attached by ClinVar (database versions not stated): TOPMed below 0.00001; ExAC 0.00001.
gnomAD v4.1: 4 of 1,614,216 alleles (0.00025%); highest among the groups gnomAD compares: Non-Finnish European, 0.00034%; no homozygotes.

Submission:

CeGaT Center for Human Genetics Tuebingen
Classification: Uncertain significance. Last evaluated: 2023-04-01. Review status: criteria provided, single submitter. Criteria: CeGaT Center For Human Genetics Tuebingen Variant Classification Criteria Version 2. Collection method: clinical testing. Allele origin: germline. Affected: yes. Observed: 1 variant allele.
Comment: H1-2: PP3

NM_005319.4(H1-2):c.271G>A (p.Gly91Ser)

Genes: H1-2 (H1.2 linker histone, cluster member; minus strand), LOC129996014 (ATAC-STARR-seq lymphoblastoid active region 24187; plus strand). Cytogenetic location: 6p22.2.
Variant type: single nucleotide variant.
Coding change: c.271G>A on transcript NM_005319.4 (MANE Select); coding-DNA position 271, G replaced by A.
Protein change: p.Gly91Ser; replaces glycine 91 with serine.
Molecular consequence: missense variant.
Genome position (GRCh38, 1-based): chr6:26,056,158, C>T on the plus strand (G>A on the coding strand, the complement: H1-2 is on the minus strand). VCF-style: chr6-26056158-C-T. GRCh37 (hg19) VCF-style: chr6-26056386-C-T.
Other names: short protein forms G91S.
Identifiers: ClinVar variation 2656294 (VCV002656294.24), dbSNP rs750602586, ClinGen allele CA3666249.